The following is an entry in ClinVar:

NM_153240.5(NPHP3):c.1579C>T (p.Leu527Phe)

Genes: NPHP3 (nephrocystin 3; minus strand), NPHP3-ACAD11 (NPHP3-ACAD11 readthrough (NMD candidate); minus strand). Cytogenetic location: 3q22.1.
Variant type: single nucleotide variant.
Coding change: c.1579C>T on transcript NM_153240.5 (MANE Select); coding-DNA position 1579, C replaced by T.
Protein change: p.Leu527Phe; replaces leucine 527 with phenylalanine.
Molecular consequence: missense variant. On other transcripts: non-coding transcript variant (1).
Genome position (GRCh38, 1-based): chr3:132,701,479, G>A on the plus strand (C>T on the coding strand, the complement: NPHP3 is on the minus strand). VCF-style: chr3-132701479-G-A. GRCh37 (hg19) VCF-style: chr3-132420323-G-A.
Other names: short protein forms L527F.
Identifiers: ClinVar variation 1369985 (VCV001369985.4), dbSNP rs772703797, ClinGen allele CA2622257.

ClinVar aggregate classification (germline): Uncertain significance (1 of 4 stars; one submission).

Conditions:
Nephronophthisis. Also called: Juvenile Nephronophthisis. Identifiers: Orphanet 655, MedGen C0687120, MONDO:0019005, HP:0000090.

Allele frequency attached by ClinVar (database versions not stated): gnomAD exomes 0.00001 and 0.00002; ExAC 0.00002.
gnomAD v4.1: 5 of 1,613,830 alleles (0.00031%); highest among the groups gnomAD compares: Admixed American, 0.0083%; no homozygotes.

Submission:

Labcorp Genetics (formerly Invitae), Labcorp
Classification: Uncertain significance for Nephronophthisis. Last evaluated: 2022-11-22. Review status: criteria provided, single submitter. Criteria: Invitae Variant Classification Sherloc (09022015). Collection method: clinical testing. Allele origin: germline.
Comment: In summary, the available evidence is currently insufficient to determine the role of this variant in disease. Therefore, it has been classified as a Variant of Uncertain Significance. Advanced modeling of protein sequence and biophysical properties (such as structural, functional, and spatial information, amino acid conservation, physicochemical variation, residue mobility, and thermodynamic stability) has been performed at Invitae for this missense variant, however the output from this modeling did not meet the statistical confidence thresholds required to predict the impact of this variant on NPHP3 protein function. ClinVar contains an entry for this variant (Variation ID: 1369985). This variant has not been reported in the literature in individuals affected with NPHP3-related conditions. This variant is present in population databases (rs772703797, gnomAD 0.01%). This sequence change replaces leucine, which is neutral and non-polar, with phenylalanine, which is neutral and non-polar, at codon 527 of the NPHP3 protein (p.Leu527Phe).